The following is an entry in ClinVar:

NM_001370259.2(MEN1):c.1531G>C (p.Val511Leu)

Gene: MEN1 (menin 1; minus strand). Cytogenetic location: 11q13.1.
Variant type: single nucleotide variant.
Coding change: c.1531G>C on transcript NM_001370259.2 (MANE Select); coding-DNA position 1531, G replaced by C.
Protein change: p.Val511Leu; replaces valine 511 with leucine.
Molecular consequence: missense variant. On other transcripts: non-coding transcript variant (4).
Genome position (GRCh38, 1-based): chr11:64,804,636, C>G on the plus strand (G>C on the coding strand, the complement: MEN1 is on the minus strand). VCF-style: chr11-64804636-C-G. GRCh37 (hg19) VCF-style: chr11-64572108-C-G.
Other names: c.1546G>C, p.Val516Leu (NM_000244.4, NM_001407145.1, NM_130800.3 and 4 more transcripts); c.1657G>C, p.Val553Leu (NM_001370251.2, NM_001407142.1, NM_001407143.1 and 1 more transcripts); c.1531G>C, p.Val511Leu (NM_001370260.2, NM_001370261.2, NM_001407146.1 and 2 more transcripts); c.1426G>C, p.Val476Leu (NM_001370262.2, NM_001370263.2, NM_001407148.1 and 1 more transcripts); c.1672G>C, p.Val558Leu (NM_001407150.1); c.1552G>C, p.Val518Leu (NM_001407151.1); c.1366G>C, p.Val456Leu (NM_001407152.1); short protein forms V518L, V456L, V511L, V516L, V553L, V476L, V558L.
Identifiers: ClinVar variation 4106569 (VCV004106569.2).
Genomic context (GRCh38, chr11:64,804,636, plus strand): 5'-CTTCAGGGCCTCGGGCTGTGCCAGCGACAGTCCCAGGAGGCTTCCGGGGGGGTCCTGACA[C>G]TGCACCCTGGCCGGTGCCCAGGCCCTTGTCCAGTGCTGGCTTCTTGGGCGGCGGGGGCTC-3'
Protein context (NP_001357188.2, residues 501-521): DKGLGTGQGA[Val511Leu]SGPPRKPPGT

ClinVar aggregate classification (germline): Uncertain significance. Review status: criteria provided, multiple submitters, no conflicts (2 of 4 stars). 2 submissions from 2 submitters: Uncertain significance (2). Last evaluated 2025-07-25.

Conditions:
Hereditary cancer-predisposing syndrome. Also called: Neoplastic Syndromes, Hereditary; Tumor predisposition; Hereditary neoplastic syndrome; Hereditary Cancer Syndrome. Identifiers: Orphanet 140162, MedGen C0027672, MeSH D009386, MONDO:0015356.

gnomAD v4.1: 1 of 1,604,666 alleles (0.000062%); highest among the groups gnomAD compares: Non-Finnish European, 0.000085%; no homozygotes.

Submissions (2):

Ambry Genetics
Classification: Uncertain significance for Hereditary cancer-predisposing syndrome. Last evaluated: 2025-07-25. Review status: criteria provided, single submitter. Criteria: Ambry Variant Classification Scheme 2023. Collection method: clinical testing. Allele origin: germline.
Comment: The p.V511L variant (also known as c.1531G>C), located in coding exon 9 of the MEN1 gene, results from a G to C substitution at nucleotide position 1531. The valine at codon 511 is replaced by leucine, an amino acid with highly similar properties. This amino acid position is conserved. In addition, this alteration is predicted to be tolerated by in silico analysis. Based on the available evidence, the clinical significance of this variant remains unclear.

Blueprint Genetics
Classification: Uncertain significance. Last evaluated: 2023-11-08. Review status: criteria provided, single submitter. Criteria: ACMG Guidelines, 2015. Collection method: clinical testing. Allele origin: germline.